The following is an entry in ClinVar:

ClinVar aggregate classification (germline): Uncertain significance (1 of 4 stars; one submission).

Conditions:
Inborn genetic diseases. Identifiers: MedGen C0950123, MeSH D030342.

Allele frequency attached by ClinVar (database versions not stated): ExAC 0.00001; TOPMed 0.00001.

Submission:

Ambry Genetics
Classification: Uncertain significance for Inborn genetic diseases. Last evaluated: 2022-09-06. Review status: criteria provided, single submitter. Criteria: Ambry Variant Classification Scheme 2023. Collection method: clinical testing. Allele origin: germline.
Comment: The c.3131T>C (p.M1044T) alteration is located in exon 21 (coding exon 20) of the USP9X gene. This alteration results from a T to C substitution at nucleotide position 3131, causing the methionine (M) at amino acid position 1044 to be replaced by a threonine (T). Based on data from gnomAD, the C allele has an overall frequency of 0.001% (1/182119) total alleles studied. The highest observed frequency was 0.001% (1/81532) of European (non-Finnish) alleles. This amino acid position is highly conserved in available vertebrate species. The in silico prediction for this alteration is inconclusive. Based on insufficient or conflicting evidence, the clinical significance of this alteration remains unclear.

NM_001039591.3(USP9X):c.3131T>C (p.Met1044Thr)

Gene: USP9X (ubiquitin specific peptidase 9 X-linked; plus strand). Cytogenetic location: Xp11.4.
Variant type: single nucleotide variant.
Coding change: c.3131T>C on transcript NM_001039591.3 (MANE Select); coding-DNA position 3131, T replaced by C.
Protein change: p.Met1044Thr; replaces methionine 1044 with threonine.
Molecular consequence: missense variant.
Genome position (GRCh38, 1-based): chrX:41,171,941, T>C. VCF-style: chrX-41171941-T-C. GRCh37 (hg19) VCF-style: chrX-41031194-T-C.
Other names: c.3131T>C, p.Met1044Thr (NM_001039590.3); c.3146T>C, p.Met1049Thr (NM_001410748.1, NM_001410749.1); short protein forms M1049T, M1044T.
Identifiers: ClinVar variation 2310612 (VCV002310612.2), dbSNP rs750043540, ClinGen allele CA10388650.
Genomic context (GRCh38, chrX:41,171,941, plus strand): 5'-TTGCAGACTTAGGTAGCAGCCTAAATATGCCACCCCTTAGAGATGGAGCAAGAGTACTTA[T>C]GAAACTTATGCCGCCAGGTAAGAATTTTTAAATGATGATCAAGTACTTGCTGGACAATAA-3'
Protein context (NP_001034680.2, residues 1034-1054): PPLRDGARVL[Met1044Thr]KLMPPDSTTI